The following is an entry in ClinVar:

ClinVar aggregate classification (germline): Uncertain significance (1 of 4 stars; one submission).

Conditions:
Hereditary cancer-predisposing syndrome. Also called: Tumor predisposition; Hereditary neoplastic syndrome; Neoplastic Syndromes, Hereditary; Hereditary Cancer Syndrome. Identifiers: Orphanet 140162, MedGen C0027672, MeSH D009386, MONDO:0015356.

Submission:

Ambry Genetics
Classification: Uncertain significance for Hereditary cancer-predisposing syndrome. Last evaluated: 2025-03-24. Review status: criteria provided, single submitter. Criteria: Ambry Variant Classification Scheme 2023. Collection method: clinical testing. Allele origin: germline.
Comment: The p.Q69P variant (also known as c.206A>C), located in coding exon 2 of the FANCC gene, results from an A to C substitution at nucleotide position 206. The glutamine at codon 69 is replaced by proline, an amino acid with similar properties. This amino acid position is conserved. In addition, this alteration is predicted to be deleterious by in silico analysis. Based on the available evidence, the clinical significance of this variant remains unclear.

NM_000136.3(FANCC):c.206A>C (p.Gln69Pro)

Gene: FANCC (FA complementation group C; minus strand). Cytogenetic location: 9q22.32.
Variant type: single nucleotide variant.
Coding change: c.206A>C on transcript NM_000136.3 (MANE Select); coding-DNA position 206, A replaced by C.
Protein change: p.Gln69Pro; replaces glutamine 69 with proline.
Molecular consequence: missense variant.
Genome position (GRCh38, 1-based): chr9:95,247,476, T>G on the plus strand (A>C on the coding strand, the complement: FANCC is on the minus strand). VCF-style: chr9-95247476-T-G. GRCh37 (hg19) VCF-style: chr9-98009758-T-G.
Other names: c.206A>C, p.Gln69Pro (NM_001243743.2, NM_001243744.2); short protein forms Q69P.
Identifiers: ClinVar variation 4022400 (VCV004022400.1).